The following is an entry in ClinVar:

NM_006015.6(ARID1A):c.5236G>A (p.Asp1746Asn)

Gene: ARID1A (AT-rich interaction domain 1A; plus strand). Cytogenetic location: 1p36.11.
Variant type: single nucleotide variant.
Coding change: c.5236G>A on transcript NM_006015.6 (MANE Select); coding-DNA position 5236, G replaced by A.
Protein change: p.Asp1746Asn; replaces aspartic acid 1746 with asparagine.
Molecular consequence: missense variant.
Genome position (GRCh38, 1-based): chr1:26,779,134, G>A. VCF-style: chr1-26779134-G-A. GRCh37 (hg19) VCF-style: chr1-27105625-G-A.
Other names: c.4585G>A, p.Asp1529Asn (NM_139135.4); short protein forms D1529N, D1746N.
Identifiers: ClinVar variation 2430772 (VCV002430772.1), dbSNP rs368675329, ClinGen allele CA339184337.

ClinVar aggregate classification (germline): Uncertain significance (1 of 4 stars; one submission).

Submission:

GeneDx
Classification: Uncertain significance. Last evaluated: 2022-08-26. Review status: criteria provided, single submitter. Criteria: GeneDx Variant Classification Process June 2021. Collection method: clinical testing. Allele origin: germline. Affected: yes.
Comment: Not observed at significant frequency in large population cohorts (gnomAD); In silico analysis supports that this missense variant does not alter protein structure/function; Has not been previously published as pathogenic or benign to our knowledge